The following is an entry in ClinVar:

ClinVar aggregate classification (germline): Likely benign. Review status: criteria provided, multiple submitters, no conflicts (2 of 4 stars). 2 submissions from 2 submitters: Likely benign (2). Last evaluated 2024-09-01.

Allele frequency attached by ClinVar (database versions not stated): ExAC 0.00011; gnomAD exomes 0.00013 and 0.00016; gnomAD 0.00017 and 0.00018; TOPMed 0.00017.
gnomAD v4.1: 190 of 1,209,465 alleles (0.016%); highest among the groups gnomAD compares: Middle Eastern, 0.023%; no homozygotes.

Submissions (2):

CeGaT Center for Human Genetics Tuebingen
Classification: Likely benign. Last evaluated: 2024-09-01. Review status: criteria provided, single submitter. Criteria: CeGaT Center For Human Genetics Tuebingen Variant Classification Criteria Version 2. Collection method: clinical testing. Allele origin: germline. Affected: yes. Observed: 1 variant allele.
Comment: KLHL15: BP4, BP7, BS2

Labcorp Genetics (formerly Invitae), Labcorp
Classification: Likely benign. Last evaluated: 2018-06-08. Review status: criteria provided, single submitter. Criteria: Invitae Variant Classification Sherloc (09022015). Collection method: clinical testing. Allele origin: germline.

NM_030624.3(KLHL15):c.198A>G (p.Glu66=)

Gene: KLHL15 (kelch like family member 15; minus strand). Cytogenetic location: Xp22.11.
Variant type: single nucleotide variant.
Coding change: c.198A>G on transcript NM_030624.3 (MANE Select); coding-DNA position 198, A replaced by G.
Protein change: p.Glu66=; no amino-acid change (glutamic acid 66 retained).
Molecular consequence: synonymous variant.
Genome position (GRCh38, 1-based): chrX:24,006,496, T>C on the plus strand (A>G on the coding strand, the complement: KLHL15 is on the minus strand). VCF-style: chrX-24006496-T-C. GRCh37 (hg19) VCF-style: chrX-24024613-T-C.
Identifiers: ClinVar variation 738252 (VCV000738252.17), dbSNP rs112589180, ClinGen allele CA10370588.